The following is an entry in ClinVar:

NM_001017420.3(ESCO2):c.1353+2T>C

Gene: ESCO2 (establishment of sister chromatid cohesion N-acetyltransferase 2; plus strand). Cytogenetic location: 8p21.1.
Variant type: single nucleotide variant.
Coding change: c.1353+2T>C on transcript NM_001017420.3 (MANE Select); the canonical splice donor site of the intron after coding-DNA position 1353, T replaced by C.
Molecular consequence: splice donor variant.
Genome position (GRCh38, 1-based): chr8:27,792,054, T>C. VCF-style: chr8-27792054-T-C. GRCh37 (hg19) VCF-style: chr8-27649571-T-C.
Identifiers: ClinVar variation 652473 (VCV000652473.6), dbSNP rs1185123354, ClinGen allele CA370825158.

ClinVar aggregate classification (germline): Likely pathogenic (1 of 4 stars; one submission).

Allele frequency attached by ClinVar (database versions not stated): gnomAD exomes below 0.00001.
gnomAD v4.1: 1 of 1,613,960 alleles (0.000062%); highest among the groups gnomAD compares: Admixed American, 0.0017%; no homozygotes.

Submission:

Labcorp Genetics (formerly Invitae), Labcorp
Classification: Likely pathogenic. Last evaluated: 2018-12-01. Review status: criteria provided, single submitter. Criteria: Invitae Variant Classification Sherloc (09022015). Collection method: clinical testing. Allele origin: germline.
Comment: In summary, the currently available evidence indicates that the variant is pathogenic, but additional data are needed to prove that conclusively. Therefore, this variant has been classified as Likely Pathogenic. Donor and acceptor splice site variants typically lead to a loss of protein function (PMID: 16199547), and loss-of-function variants in ESCO2 are known to be pathogenic (PMID: 15821733, 16380922). Algorithms developed to predict the effect of sequence changes on RNA splicing suggest that this variant may disrupt the consensus splice site, but this prediction has not been confirmed by published transcriptional studies. This variant has not been reported in the literature in individuals with ESCO2-related conditions. This variant is not present in population databases (ExAC no frequency). This sequence change affects a donor splice site in intron 8 of the ESCO2 gene. It is expected to disrupt RNA splicing and likely results in an absent or disrupted protein product.

Literature cited by the submitters: PubMed 16199547; PubMed 15821733; PubMed 16380922.